The following is an entry in ClinVar:

NM_007373.4(SHOC2):c.445A>T (p.Met149Leu)

Gene: SHOC2 (SHOC2 leucine rich repeat scaffold protein; plus strand). Cytogenetic location: 10q25.2.
Variant type: single nucleotide variant.
Coding change: c.445A>T on transcript NM_007373.4 (MANE Select); coding-DNA position 445, A replaced by T.
Protein change: p.Met149Leu; replaces methionine 149 with leucine.
Molecular consequence: missense variant. On other transcripts: 5 prime UTR variant (1), non-coding transcript variant (1), intron variant (3).
Genome position (GRCh38, 1-based): chr10:110,964,803, A>T. VCF-style: chr10-110964803-A-T. GRCh37 (hg19) VCF-style: chr10-112724561-A-T.
Other names: c.445A>T, p.Met149Leu (NM_001269039.3, NM_001324336.2, NM_001324337.2 and 4 more transcripts); c.-342A>T (NM_001441188.1); c.-380-20825A>T (NM_001441190.1); c.-249-20825A>T (NM_001441191.1); c.-242-35612A>T (NM_001441189.1); short protein forms M149L.
Identifiers: ClinVar variation 4741958 (VCV004741958.1).

ClinVar aggregate classification (germline): Uncertain significance (1 of 4 stars; one submission).

Conditions:
RASopathy. Also called: Noonan spectrum disorder; rasopathies. Identifiers: Orphanet 536391, MedGen C5555857, MONDO:0021060.

Submission:

Labcorp Genetics (formerly Invitae), Labcorp
Classification: Uncertain significance for RASopathy. Last evaluated: 2025-02-18. Review status: criteria provided, single submitter. Criteria: Invitae Variant Classification Sherloc (09022015). Collection method: clinical testing. Allele origin: germline.
Comment: This sequence change replaces methionine, which is neutral and non-polar, with leucine, which is neutral and non-polar, at codon 149 of the SHOC2 protein (p.Met149Leu). This variant is not present in population databases (gnomAD no frequency). This variant has not been reported in the literature in individuals affected with SHOC2-related conditions. Invitae Evidence Modeling of protein sequence and biophysical properties (such as structural, functional, and spatial information, amino acid conservation, physicochemical variation, residue mobility, and thermodynamic stability) indicates that this missense variant is not expected to disrupt SHOC2 protein function with a negative predictive value of 80%. In summary, the available evidence is currently insufficient to determine the role of this variant in disease. Therefore, it has been classified as a Variant of Uncertain Significance.